The following is an entry in ClinVar:

NM_000744.7(CHRNA4):c.1689C>T (p.Ala563=)

Gene: CHRNA4 (cholinergic receptor nicotinic alpha 4 subunit; minus strand). Cytogenetic location: 20q13.33.
Variant type: single nucleotide variant.
Coding change: c.1689C>T on transcript NM_000744.7 (MANE Select); coding-DNA position 1689, C replaced by T.
Protein change: p.Ala563=; no amino-acid change (alanine 563 retained).
Molecular consequence: synonymous variant. On other transcripts: non-coding transcript variant (1).
Genome position (GRCh38, 1-based): chr20:63,349,722, G>A on the plus strand (C>T on the coding strand, the complement: CHRNA4 is on the minus strand). VCF-style: chr20-63349722-G-A. GRCh37 (hg19) VCF-style: chr20-61981074-G-A.
Other names: c.1161C>T, p.Ala387= (NM_001256573.2).
Identifiers: ClinVar variation 380378 (VCV000380378.10), dbSNP rs374172256, ClinGen allele CA9957548.
Genomic context (GRCh38, chr20:63,349,722, plus strand): 5'-TGTGTCTTCGGCCTTCAGGTGGTCTGCAATGTACTGGACGCCCTCCACCGCCCGGGTCAG[G>A]GCCGGCGACAGGGGCAGGTGCGGGGGCGGCGCTTTGGTGCTGCGGGTCTTGACCGTGGCG-3'
Protein context (NP_000735.1, residues 553-573): APPPHLPLSP[Ala563=]LTRAVEGVQY

ClinVar aggregate classification (germline): Likely benign. Review status: criteria provided, multiple submitters, no conflicts (2 of 4 stars). 3 submissions from 3 submitters: Likely benign (3). Last evaluated 2024-08-07.

Conditions:
Familial sleep-related hypermotor epilepsy. Also called: Autosomal Dominant Sleep-Related Hypermotor (Hyperkinetic) Epilepsy. Identifiers: Orphanet 98784, MedGen C3696898, MONDO:0000030.

Allele frequency attached by ClinVar (database versions not stated): gnomAD exomes 0.00002 and 0.00003; gnomAD 0.00003; ExAC 0.00004; TOPMed 0.00004; ESP Exome Variant Server 0.00008.

Submissions (3):

Blueprint Genetics
Classification: Likely benign. Last evaluated: 2024-08-07. Review status: criteria provided, single submitter. Criteria: ACMG Guidelines, 2015. Collection method: clinical testing. Allele origin: germline.

Labcorp Genetics (formerly Invitae), Labcorp
Classification: Likely benign. Last evaluated: 2024-04-30. Review status: criteria provided, single submitter. Criteria: Invitae Variant Classification Sherloc (09022015). Collection method: clinical testing. Allele origin: germline.

GeneDx
Classification: Likely benign. Last evaluated: 2016-03-28. Review status: criteria provided, single submitter. Criteria: GeneDx Variant Classification (06012015). Collection method: clinical testing. Allele origin: germline. Affected: yes.
Comment: This variant is considered likely benign or benign based on one or more of the following criteria: it is a conservative change, it occurs at a poorly conserved position in the protein, it is predicted to be benign by multiple in silico algorithms, and/or has population frequency not consistent with disease.